The following is an entry in ClinVar:

ClinVar aggregate classification (germline): Pathogenic. Review status: reviewed by expert panel (3 of 4 stars). 2 submissions from 2 submitters: Pathogenic (1). 1 of the submissions does not count toward it. Last evaluated 2016-09-08.

Conditions:
Breast-ovarian cancer, familial, susceptibility to, 2 (BROVCA2). Also called: BRCA2 Hereditary Breast and Ovarian Cancer. Identifiers: Orphanet 145, MedGen C2675520, MONDO:0012933, OMIM 612555. Disease mechanism: loss of function.

Submissions (2):

Evidence-based Network for the Interpretation of Germline Mutant Alleles (ENIGMA)
Classification: Pathogenic for Breast-ovarian cancer, familial, susceptibility to, 2. Last evaluated: 2016-09-08. Review status: reviewed by expert panel. Criteria: ENIGMA BRCA1/2 Classification Criteria (2015). Collection method: curation. Allele origin: germline.
Comment: Variant allele predicted to encode a truncated non-functional protein.

Breast Cancer Information Core (BIC) (BRCA2)
Classification: Pathogenic for Breast-ovarian cancer, familial 2. Last evaluated: 2002-05-29. Review status: no assertion criteria provided. Collection method: clinical testing. Allele origin: germline. Affected: yes. Observed: 1 variant allele. Not counted in ClinVar's aggregate classification.

NM_000059.4(BRCA2):c.6239del (p.Val2079_Leu2080insTer)

Gene: BRCA2 (BRCA2 DNA repair associated; plus strand). Cytogenetic location: 13q13.1.
Variant type: Deletion.
Coding change: c.6239del on transcript NM_000059.4 (MANE Select); coding-DNA position 6239, one base deleted (T; older notation c.6239delT).
Protein change: p.Val2079_Leu2080insTer.
Molecular consequence: nonsense.
Genome position (GRCh38, 1-based): chr13:32,340,594, T deleted; the last of 2 consecutive T bases (chr13:32,340,593-32,340,594); deleting either gives the same sequence. VCF-style (leftmost placement, unchanged base first): chr13-32340592-GT-G. GRCh37 (hg19) VCF-style: chr13-32914729-GT-G.
Other names: 6466delT; c.6239delT (NM_000059.3).
Identifiers: ClinVar variation 254577 (VCV000254577.2), dbSNP rs80359569, ClinGen allele CA023779.
Genomic context (GRCh38, chr13:32,340,592, plus strand): 5'-TACAGCAAGTGGAAAGCAAGTTTCCATTTTAGAAAGTTCCTTACACAAAGTTAAGGGAGT[GT>G]TAGAGGAATTTGATTTAATCAGAACTGAGCATAGTCTTCACTATTCACCTACGTCTAGAC-3'